The following is an entry in ClinVar:

ClinVar aggregate classification (germline): Uncertain significance (1 of 4 stars; one submission).

Conditions:
Nemaline myopathy 2 (NEM2). Also called: Nemaline myopathy 2, autosomal recessive. Identifiers: MedGen C1850569, MONDO:0009725, OMIM 256030.

Allele frequency attached by ClinVar (database versions not stated): gnomAD 0.00001.
gnomAD v4.1: 2 of 1,613,876 alleles (0.00012%); highest among the groups gnomAD compares: African/African-American, 0.0027%; no homozygotes.

Submission:

Labcorp Genetics (formerly Invitae), Labcorp
Classification: Uncertain significance for Nemaline myopathy 2. Last evaluated: 2022-03-24. Review status: criteria provided, single submitter. Criteria: Invitae Variant Classification Sherloc (09022015). Collection method: clinical testing. Allele origin: germline.
Comment: In summary, the available evidence is currently insufficient to determine the role of this variant in disease. Therefore, it has been classified as a Variant of Uncertain Significance. Algorithms developed to predict the effect of missense changes on protein structure and function are either unavailable or do not agree on the potential impact of this missense change (SIFT: "Deleterious"; PolyPhen-2: "Not Available"; Align-GVGD: "Class C0"). This variant has not been reported in the literature in individuals affected with NEB-related conditions. This variant is not present in population databases (gnomAD no frequency). This sequence change replaces aspartic acid, which is acidic and polar, with glutamic acid, which is acidic and polar, at codon 2570 of the NEB protein (p.Asp2570Glu).

NM_001164508.2(NEB):c.7710T>A (p.Asp2570Glu)

Gene: NEB (nebulin; minus strand). Cytogenetic location: 2q23.3.
Variant type: single nucleotide variant.
Coding change: c.7710T>A on transcript NM_001164508.2 (MANE Select); coding-DNA position 7710, T replaced by A.
Protein change: p.Asp2570Glu; replaces aspartic acid 2570 with glutamic acid.
Molecular consequence: missense variant.
Genome position (GRCh38, 1-based): chr2:151,644,064, A>T on the plus strand (T>A on the coding strand, the complement: NEB is on the minus strand). VCF-style: chr2-151644064-A-T. GRCh37 (hg19) VCF-style: chr2-152500578-A-T.
Other names: c.7710T>A, p.Asp2570Glu (NM_001164507.2, NM_001271208.2, NM_004543.5); short protein forms D2570E.
Identifiers: ClinVar variation 1964295 (VCV001964295.5), dbSNP rs922569146, ClinGen allele CA57628501.